The following is an entry in ClinVar:

GRCh37/hg19 22q11.23(chr22:23690388-25066472)x3

Genes: GSTT2 (glutathione S-transferase theta 2 (gene/pseudogene); plus strand), GSTT2B (glutathione S-transferase theta 2B; minus strand), GUCD1 (guanylyl cyclase domain containing 1; minus strand), IGLL1 (immunoglobulin lambda like polypeptide 1; minus strand), VPREB3 (V-set pre-B cell surrogate light chain 3; minus strand) and 22 more. Cytogenetic location: 22q11.23.
Variant type: copy number gain.
Change: copy number 3 (three copies instead of two) of chr22:23,690,388-25,066,472 (1.38 Mb, GRCh37 coordinates, 1-based), cytogenetic band 22q11.23.
Identifiers: ClinVar variation 2684933 (VCV002684933.1).

ClinVar aggregate classification (germline): Pathogenic (1 of 4 stars; one submission).

Submission:

Quest Diagnostics Nichols Institute San Juan Capistrano
Classification: Pathogenic. Last evaluated: 2023-03-12. Review status: criteria provided, single submitter. Criteria: ACMG/ClinGen CNV Guidelines, 2019. Collection method: clinical testing. Allele origin: unknown.
Comment: This genomic gain encompasses the type III (LCR F-H) 22q11.2 distal duplication region (Pinchefsky et al., Child Neurol Open. 2017 Nov 1;4:2329048X17737651. PMID:29147671). Reduced penetrance and variable expressivity are exhibited. A similar 1.3 Mb duplication was reported in a patient with variable phenotypes (Valencia-Pena et al., BMC Ophthalmol. 2020 Aug 17;20(1):333. PMID: 32807111). There are additional reports of patients with overlapping duplications (Chang J, et al., Gene. 2015 Sep 10;569(1):46-50. PMID: 26099517; Puvabanditsin S, et al., Genet Couns. 2015;26(3):313-20. PMID: 26625662; Tan et al. Am J Med Genet A. 2011 Jul;155A(7):1623-33. PMID: 21671380; Wincent et al., Mol Syndromol. 2010;1(5):246-254. PMID: 22140377; Coppinger, et al., Hum Mol Genet. 2009 Apr 15;18(8):1377-83. PMID: 19193630).